The following is an entry in ClinVar:

NM_000059.4(BRCA2):c.8888C>G (p.Ser2963Ter)

Gene: BRCA2 (BRCA2 DNA repair associated; plus strand). Cytogenetic location: 13q13.1.
Variant type: single nucleotide variant.
Coding change: c.8888C>G on transcript NM_000059.4 (MANE Select); coding-DNA position 8888, C replaced by G.
Protein change: p.Ser2963Ter; replaces serine 2963 with a stop codon.
Molecular consequence: nonsense.
Genome position (GRCh38, 1-based): chr13:32,379,450, C>G. VCF-style: chr13-32379450-C-G. GRCh37 (hg19) VCF-style: chr13-32953587-C-G.
Other names: 9116C>G; short protein forms S2963*.
Identifiers: ClinVar variation 267113 (VCV000267113.18), dbSNP rs886040798, ClinGen allele CA10589522.

ClinVar aggregate classification (germline): Pathogenic. Review status: reviewed by expert panel (3 of 4 stars). 4 submissions from 4 submitters: Pathogenic (1). 3 of the submissions do not count toward it. Last evaluated 2016-10-18.

Conditions:
Breast-ovarian cancer, familial, susceptibility to, 2 (BROVCA2). Also called: BRCA2 Hereditary Breast and Ovarian Cancer. Identifiers: Orphanet 145, MedGen C2675520, MONDO:0012933, OMIM 612555. Disease mechanism: loss of function.
Hereditary breast ovarian cancer syndrome. Also called: BRCA1- and BRCA2-Associated Hereditary Breast and Ovarian Cancer; Hereditary breast and ovarian cancer; Breast and ovarian cancer; Hereditary breast and/or ovarian cancer syndrome; Hereditary breast and ovarian cancer syndrome; Hereditary breast and ovarian cancer syndrome (HBOC). Identifiers: Orphanet 145, MedGen C0677776, MeSH D061325, MONDO:0003582. Disease mechanism: loss of function.

gnomAD v4.1: 1 of 1,613,296 alleles (0.000062%); highest among the groups gnomAD compares: Non-Finnish European, 0.000085%; no homozygotes.

Submissions (4):

Evidence-based Network for the Interpretation of Germline Mutant Alleles (ENIGMA)
Classification: Pathogenic for Breast-ovarian cancer, familial, susceptibility to, 2. Last evaluated: 2016-10-18. Review status: reviewed by expert panel. Criteria: ENIGMA BRCA1/2 Classification Criteria (2015). Collection method: curation. Allele origin: germline.
Comment: Variant allele predicted to encode a truncated non-functional protein.

Labcorp Genetics (formerly Invitae), Labcorp
Classification: Pathogenic for Hereditary breast ovarian cancer syndrome. Last evaluated: 2021-06-01. Review status: criteria provided, single submitter. Criteria: Invitae Variant Classification Sherloc (09022015). Collection method: clinical testing. Allele origin: germline. Not counted in ClinVar's aggregate classification.
Comment: For these reasons, this variant has been classified as Pathogenic. This variant has been observed in individual(s) undergoing testing for hereditary breast and/or ovarian cancer (PMID: 29446198). ClinVar contains an entry for this variant (Variation ID: 267113). This variant is not present in population databases (ExAC no frequency). This sequence change creates a premature translational stop signal (p.Ser2963*) in the BRCA2 gene. It is expected to result in an absent or disrupted protein product. Loss-of-function variants in BRCA2 are known to be pathogenic (PMID: 20104584).

ARUP Laboratories, Molecular Genetics and Genomics, ARUP Laboratories
Classification: Pathogenic. Last evaluated: 2021-02-17. Review status: criteria provided, single submitter. Criteria: ARUP Molecular Germline Variant Investigation Process 2021. Collection method: clinical testing. Allele origin: germline. Not counted in ClinVar's aggregate classification.
Comment: The BRCA2 c.8888C>G; p.Ser2963Ter variant (rs886040798) is reported in the literature in individuals affected with breast cancer (Rebbeck 2018). This variant is also reported in ClinVar (Variation ID: 267113), and is absent from general population databases (Exome Variant Server, Genome Aggregation Database), indicating it is not a common polymorphism. This variant induces an early termination codon and is predicted to result in a truncated protein or mRNA subject to nonsense-mediated decay. Based on available information, this variant is considered to be pathogenic. References: Rebbeck et al. Mutational spectrum in a worldwide study of 29,700 families with BRCA1 or BRCA2 mutations. Hum Mutat. 2018 May;39(5):593-620.

Consortium of Investigators of Modifiers of BRCA1/2 (CIMBA), c/o University of Cambridge
Classification: Pathogenic for Breast-ovarian cancer, familial, susceptibility to, 2. Last evaluated: 2015-10-02. Review status: criteria provided, single submitter. Criteria: CIMBA Mutation Classification guidelines May 2016. Collection method: clinical testing. Allele origin: germline. Not counted in ClinVar's aggregate classification.

Literature cited by the submitters: PubMed 29446198 (cited by Labcorp Genetics (formerly Invitae), Labcorp); PubMed 20104584 (cited by Labcorp Genetics (formerly Invitae), Labcorp).